The following is an entry in ClinVar:

ClinVar aggregate classification (germline): Likely benign (1 of 4 stars; one submission).

Conditions:
Familial cancer of breast. Also called: Hereditary breast cancer; hereditary breast carcinoma; BREAST CANCER, FAMILIAL. Identifiers: Orphanet 227535, MedGen C0346153, MONDO:0016419, OMIM 114480. Disease mechanism: loss of function.

Submission:

Myriad Genetics, Inc.
Classification: Likely benign for Familial cancer of breast. Last evaluated: 2025-01-17. Review status: criteria provided, single submitter. Criteria: Myriad Autosomal Dominant, Autosomal Recessive and X-Linked Classification Criteria (2023). Collection method: clinical testing. Allele origin: unknown.
Comment: This variant is considered likely benign. This variant is intronic and is not expected to impact mRNA splicing.

NM_024675.4(PALB2):c.2834+8A>C

Gene: PALB2 (partner and localizer of BRCA2; minus strand). Cytogenetic location: 16p12.2.
Variant type: single nucleotide variant.
Coding change: c.2834+8A>C on transcript NM_024675.4 (MANE Select); 8 bases into the intron after coding-DNA position 2834, A replaced by C.
Molecular consequence: intron variant.
Genome position (GRCh38, 1-based): chr16:23,624,001, T>G on the plus strand (A>C on the coding strand, the complement: PALB2 is on the minus strand). VCF-style: chr16-23624001-T-G. GRCh37 (hg19) VCF-style: chr16-23635322-T-G.
Other names: c.1949+8A>C (NM_001407308.1, NM_001407306.1, NM_001407309.1 and 4 more transcripts); c.368+8A>C (NM_001407314.1); c.1046+8A>C (NM_001407313.1, NM_001407312.1); c.2774+8A>C (NM_001407296.1); c.2762+8A>C (NM_001407297.1); c.2672+8A>C (NM_001407302.1, NM_001407298.1); c.2834+8A>C (NM_001407300.1, NM_001407299.1, NM_001407301.1); c.1787+8A>C (NM_001407307.1).
Identifiers: ClinVar variation 3904253 (VCV003904253.1).